The following is an entry in ClinVar:

NM_021076.4(NEFH):c.2161A>G (p.Lys721Glu)

Gene: NEFH (neurofilament heavy chain; plus strand). Cytogenetic location: 22q12.2.
Variant type: single nucleotide variant.
Coding change: c.2161A>G on transcript NM_021076.4 (MANE Select); coding-DNA position 2161, A replaced by G.
Protein change: p.Lys721Glu; replaces lysine 721 with glutamic acid.
Molecular consequence: missense variant.
Genome position (GRCh38, 1-based): chr22:29,489,801, A>G. VCF-style: chr22-29489801-A-G. GRCh37 (hg19) VCF-style: chr22-29885790-A-G.
Other names: short protein forms K721E.
Identifiers: ClinVar variation 2055066 (VCV002055066.4), dbSNP rs1178813327, ClinGen allele CA411136213.
Genomic context (GRCh38, chr22:29,489,801, plus strand): 5'-GAAGCAAAGTCCCCTGAGAAGGCCAAGTCCCCAGTGAAGGAAGAAGCAAAGTCCCCTGAG[A>G]AGGCCAAGTCCCCAGTGAAGGAAGAAGCAAAGACCCCCGAGAAGGCCAAGTCCCCAGTGA-3'
Protein context (NP_066554.2, residues 711-731): PVKEEAKSPE[Lys721Glu]AKSPVKEEAK

ClinVar aggregate classification (germline): Uncertain significance (1 of 4 stars; one submission).

Allele frequency attached by ClinVar (database versions not stated): TOPMed below 0.00001.

Submission:

Labcorp Genetics (formerly Invitae), Labcorp
Classification: Uncertain significance. Last evaluated: 2022-03-31. Review status: criteria provided, single submitter. Criteria: Invitae Variant Classification Sherloc (09022015). Collection method: clinical testing. Allele origin: germline.
Comment: In summary, the available evidence is currently insufficient to determine the role of this variant in disease. Therefore, it has been classified as a Variant of Uncertain Significance. Advanced modeling of protein sequence and biophysical properties (such as structural, functional, and spatial information, amino acid conservation, physicochemical variation, residue mobility, and thermodynamic stability) performed at Invitae indicates that this missense variant is not expected to disrupt NEFH protein function. This variant has not been reported in the literature in individuals affected with NEFH-related conditions. This variant is present in population databases (no rsID available, gnomAD 0.0009%). This sequence change replaces lysine, which is basic and polar, with glutamic acid, which is acidic and polar, at codon 721 of the NEFH protein (p.Lys721Glu).